The following is an entry in ClinVar:

ClinVar aggregate classification (germline): Uncertain significance (1 of 4 stars; one submission).

Conditions:
Hereditary hyperekplexia. Identifiers: Orphanet 3197, MedGen C4084968, MONDO:0021022.

Submission:

Labcorp Genetics (formerly Invitae), Labcorp
Classification: Uncertain significance for Hereditary hyperekplexia. Last evaluated: 2025-08-11. Review status: criteria provided, single submitter. Criteria: Invitae Variant Classification Sherloc (09022015). Collection method: clinical testing. Allele origin: germline.
Comment: This sequence change replaces threonine, which is neutral and polar, with arginine, which is basic and polar, at codon 190 of the GLRA1 protein (p.Thr190Arg). This variant is present in population databases (rs781570584, gnomAD 0.006%). This variant has not been reported in the literature in individuals affected with GLRA1-related conditions. ClinVar contains an entry for this variant (Variation ID: 3711319). Invitae Evidence Modeling of protein sequence and biophysical properties (such as structural, functional, and spatial information, amino acid conservation, physicochemical variation, residue mobility, and thermodynamic stability) has been performed for this missense variant. However, the output from this modeling did not meet the statistical confidence thresholds required to predict the impact of this variant on GLRA1 protein function. This variant disrupts the p.Thr190 amino acid residue in GLRA1. Other variant(s) that disrupt this residue have been determined to be pathogenic (PMID: 25568133, 28985719; internal data). This suggests that this residue is clinically significant, and that variants that disrupt this residue are likely to be disease-causing. In summary, the available evidence is currently insufficient to determine the role of this variant in disease. Therefore, it has been classified as a Variant of Uncertain Significance.

Literature cited by the submitters: PubMed 25568133; PubMed 28985719.

NM_000171.4(GLRA1):c.569C>G (p.Thr190Arg)

Gene: GLRA1 (glycine receptor alpha 1; minus strand). Cytogenetic location: 5q33.1.
Variant type: single nucleotide variant.
Coding change: c.569C>G on transcript NM_000171.4 (MANE Select); coding-DNA position 569, C replaced by G.
Protein change: p.Thr190Arg; replaces threonine 190 with arginine.
Molecular consequence: missense variant.
Genome position (GRCh38, 1-based): chr5:151,855,168, G>C on the plus strand (C>G on the coding strand, the complement: GLRA1 is on the minus strand). VCF-style: chr5-151855168-G-C. GRCh37 (hg19) VCF-style: chr5-151234729-G-C.
Other names: c.569C>G, p.Thr190Arg (NM_001146040.2); c.320C>G, p.Thr107Arg (NM_001292000.2); short protein forms T190R, T107R.
Identifiers: ClinVar variation 3711319 (VCV003711319.2).
Genomic context (GRCh38, chr5:151,855,168, plus strand): 5'-AGTCCATCTGCTACCTGCACGGCTCCCTGTTCCTGCCACTCAAAGATGAGGTCATTCATC[G>C]TATATCCAACTGGGATGGGATCAGAAGAAGGAGCAGTCACCACTCAGAAGCACTTGTTTG-3'
Protein context (NP_000162.2, residues 180-200): CIMQLESFGY[Thr190Arg]MNDLIFEWQE